The following is an entry in ClinVar:

NM_000400.4(ERCC2):c.1502A>C (p.Gln501Pro)

Gene: ERCC2 (ERCC excision repair 2, TFIIH core complex helicase subunit; minus strand). Cytogenetic location: 19q13.32.
Variant type: single nucleotide variant.
Coding change: c.1502A>C on transcript NM_000400.4 (MANE Select); coding-DNA position 1502, A replaced by C.
Protein change: p.Gln501Pro; replaces glutamine 501 with proline.
Molecular consequence: missense variant.
Genome position (GRCh38, 1-based): chr19:45,355,706, T>G on the plus strand (A>C on the coding strand, the complement: ERCC2 is on the minus strand). VCF-style: chr19-45355706-T-G. GRCh37 (hg19) VCF-style: chr19-45858964-T-G.
Other names: short protein forms Q501P.
Identifiers: ClinVar variation 1774033 (VCV001774033.2), dbSNP rs756425299, ClinGen allele CA9513244.

ClinVar aggregate classification (germline): Uncertain significance (1 of 4 stars; one submission).

Conditions:
Inborn genetic diseases. Identifiers: MedGen C0950123, MeSH D030342.

Allele frequency attached by ClinVar (database versions not stated): gnomAD exomes below 0.00001; ExAC 0.00001; gnomAD 0.00001; TOPMed 0.00001.

Submission:

Ambry Genetics
Classification: Uncertain significance for Inborn genetic diseases. Last evaluated: 2023-10-28. Review status: criteria provided, single submitter. Criteria: Ambry Variant Classification Scheme 2023. Collection method: clinical testing. Allele origin: germline.
Comment: The p.Q501P variant (also known as c.1502A>C), located in coding exon 16 of the ERCC2 gene, results from an A to C substitution at nucleotide position 1502. The glutamine at codon 501 is replaced by proline, an amino acid with similar properties. This amino acid position is conserved. In addition, this alteration is predicted to be deleterious by in silico analysis. Since supporting evidence is limited at this time, the clinical significance of this alteration remains unclear.